The following is an entry in ClinVar:

NM_001130009.3(GEN1):c.887G>A (p.Cys296Tyr)

Gene: GEN1 (GEN1 structure-specific endonuclease; plus strand). Cytogenetic location: 2p24.2.
Variant type: single nucleotide variant.
Coding change: c.887G>A on transcript NM_001130009.3 (MANE Select); coding-DNA position 887, G replaced by A.
Protein change: p.Cys296Tyr; replaces cysteine 296 with tyrosine.
Molecular consequence: missense variant.
Genome position (GRCh38, 1-based): chr2:17,772,718, G>A. VCF-style: chr2-17772718-G-A. GRCh37 (hg19) VCF-style: chr2-17953985-G-A.
Other names: c.887G>A, p.Cys296Tyr (NM_182625.5); short protein forms C296Y.
Identifiers: ClinVar variation 2693361 (VCV002693361.3), dbSNP rs752560981, ClinGen allele CA345917187.
Genomic context (GRCh38, chr2:17,772,718, plus strand): 5'-ATGGATGCAGATTATGTAAAAGTGATAAATATTGTGAGCCACATGACTATGAATACTGCT[G>A]TCCTTGTGAGTGGCACCGTACAGAACATGATAGGCAACTCAGTGAAGTAGAGAACAATAT-3'
Protein context (NP_001123481.3, residues 286-306): YCEPHDYEYC[Cys296Tyr]PCEWHRTEHD

ClinVar aggregate classification (germline): Uncertain significance (1 of 4 stars; one submission).

Submission:

Labcorp Genetics (formerly Invitae), Labcorp
Classification: Uncertain significance. Last evaluated: 2023-11-05. Review status: criteria provided, single submitter. Criteria: Invitae Variant Classification Sherloc (09022015). Collection method: clinical testing. Allele origin: germline.
Comment: This sequence change replaces cysteine, which is neutral and slightly polar, with tyrosine, which is neutral and polar, at codon 296 of the GEN1 protein (p.Cys296Tyr). This variant is not present in population databases (gnomAD no frequency). This variant has not been reported in the literature in individuals affected with GEN1-related conditions. An algorithm developed to predict the effect of missense changes on protein structure and function (PolyPhen-2) suggests that this variant is likely to be disruptive. In summary, the available evidence is currently insufficient to determine the role of this variant in disease. Therefore, it has been classified as a Variant of Uncertain Significance.